The following is an entry in ClinVar:

ClinVar aggregate classification (germline): Pathogenic/Likely pathogenic. Review status: criteria provided, multiple submitters, no conflicts (2 of 4 stars). 3 submissions from 3 submitters: Pathogenic (2); Likely pathogenic (1). Last evaluated 2026-01-06.

Conditions:
X-linked Alport syndrome (ATS1). Also called: NEPHROPATHY AND DEAFNESS, X-LINKED; COL4A5-Related Nephropathy. Identifiers: Orphanet 63, Orphanet 88917, MedGen C4746986, MONDO:0010520, OMIM 301050.

Allele frequency attached by ClinVar (database versions not stated): TOPMed below 0.00001.

Submissions (3):

3billion
Classification: Pathogenic for X-linked Alport syndrome. Last evaluated: 2026-01-06. Review status: criteria provided, single submitter. Criteria: ACMG Guidelines, 2015. Collection method: clinical testing. Allele origin: germline. Affected: yes.
Comment: The variant is not observed in the gnomAD v4.1.0 dataset. Predicted Consequence/Location: Canonical splice site: predicted to alter splicing and result in a loss or disruption of normal protein function. Multiple pathogenic loss-of-function variants are reported downstream of the variant. In silico tools predict the variant to alter splicing and produce an abnormal transcript [SpliceAI: 1.00 (spliceogenicity >=0.2, non-spliceogenicity <0.1)]. The variant has been reported at least twice as pathogenic with clinical assertions and evidence for the classification (ClinVar ID: VCV002138686 /PMID: 8940267). Therefore, this variant is classified as Pathogenic according to the recommendation of ACMG/AMP guideline.

GeneDx
Classification: Likely pathogenic. Last evaluated: 2025-02-04. Review status: criteria provided, single submitter. Criteria: GeneDx Variant Classification Process June 2021. Collection method: clinical testing. Allele origin: germline. Affected: yes.
Comment: Canonical splice site variant predicted to result in an in-frame loss of the adjacent exon in a gene for which loss of function is a known mechanism of disease; Not observed at significant frequency in large population cohorts (gnomAD); Also known as 1036+1G>A; This variant is associated with the following publications: (PMID: 25525159, 8940267, 23371956, 32604935, 31328266)

Labcorp Genetics (formerly Invitae), Labcorp
Classification: Pathogenic. Last evaluated: 2022-06-24. Review status: criteria provided, single submitter. Criteria: Invitae Variant Classification Sherloc (09022015). Collection method: clinical testing. Allele origin: germline.
Comment: This sequence change affects a donor splice site in intron 14 of the COL4A5 gene. It is expected to disrupt RNA splicing. Variants that disrupt the donor or acceptor splice site typically lead to a loss of protein function (PMID: 16199547), and loss-of-function variants in COL4A5 are known to be pathogenic (PMID: 9195222, 10752524, 14514738, 24854265, 26809805). This variant is not present in population databases (gnomAD no frequency). Disruption of this splice site has been observed in individuals with Alport syndrome and/or nephrotic syndrome (PMID: 8940267, 23371956, 32604935). This variant is also known as 1036+1G>A. Algorithms developed to predict the effect of sequence changes on RNA splicing suggest that this variant may disrupt the consensus splice site. For these reasons, this variant has been classified as Pathogenic.

Literature cited by the submitters: PubMed 8940267 (cited by 3billion and Labcorp Genetics (formerly Invitae), Labcorp); PubMed 16199547 (cited by Labcorp Genetics (formerly Invitae), Labcorp); PubMed 9195222 (cited by Labcorp Genetics (formerly Invitae), Labcorp); PubMed 10752524 (cited by Labcorp Genetics (formerly Invitae), Labcorp); PubMed 14514738 (cited by Labcorp Genetics (formerly Invitae), Labcorp); PubMed 24854265 (cited by Labcorp Genetics (formerly Invitae), Labcorp); PubMed 26809805 (cited by Labcorp Genetics (formerly Invitae), Labcorp); PubMed 23371956 (cited by Labcorp Genetics (formerly Invitae), Labcorp); PubMed 32604935 (cited by Labcorp Genetics (formerly Invitae), Labcorp).

NM_033380.3(COL4A5):c.834+1G>A

Gene: COL4A5 (collagen type IV alpha 5 chain; plus strand). Cytogenetic location: Xq22.3.
Variant type: single nucleotide variant.
Coding change: c.834+1G>A on transcript NM_033380.3 (MANE Select); the canonical splice donor site of the intron after coding-DNA position 834, G replaced by A.
Molecular consequence: splice donor variant.
Genome position (GRCh38, 1-based): chrX:108,580,587, G>A. VCF-style: chrX-108580587-G-A. GRCh37 (hg19) VCF-style: chrX-107823817-G-A.
Other names: c.834+1G>A (NM_000495.5).
Identifiers: ClinVar variation 2138686 (VCV002138686.6), dbSNP rs104886446, ClinGen allele CA258332.